The following is an entry in ClinVar:

ClinVar aggregate classification (germline): Uncertain significance (1 of 4 stars; one submission).

Conditions:
Dystonia 12 (DYT12). Also called: DYT-ATP1A3; Rapid-Onset Dystonia-Parkinsonism (RDP). Identifiers: Orphanet 71517, MedGen C1868681, MONDO:0007496, OMIM 128235.

Submission:

Labcorp Genetics (formerly Invitae), Labcorp
Classification: Uncertain significance for Dystonia 12. Last evaluated: 2023-09-05. Review status: criteria provided, single submitter. Criteria: Invitae Variant Classification Sherloc (09022015). Collection method: clinical testing. Allele origin: germline.
Comment: This sequence change falls in intron 21 of the ATP1A3 gene. It does not directly change the encoded amino acid sequence of the ATP1A3 protein. It affects a nucleotide within the consensus splice site. This variant is not present in population databases (gnomAD no frequency). This variant has not been reported in the literature in individuals affected with ATP1A3-related conditions. Variants that disrupt the consensus splice site are a relatively common cause of aberrant splicing (PMID: 17576681, 9536098). Algorithms developed to predict the effect of sequence changes on RNA splicing suggest that this variant may disrupt the consensus splice site. In summary, the available evidence is currently insufficient to determine the role of this variant in disease. Therefore, it has been classified as a Variant of Uncertain Significance.

Literature cited by the submitters: PubMed 17576681; PubMed 9536098.

NM_152296.5(ATP1A3):c.2922-3C>G

Gene: ATP1A3 (ATPase Na+/K+ transporting subunit alpha 3; minus strand). Cytogenetic location: 19q13.2.
Variant type: single nucleotide variant.
Coding change: c.2922-3C>G on transcript NM_152296.5 (MANE Select); 3 bases into the intron before coding-DNA position 2922, C replaced by G.
Molecular consequence: intron variant.
Genome position (GRCh38, 1-based): chr19:41,967,343, G>C on the plus strand (C>G on the coding strand, the complement: ATP1A3 is on the minus strand). VCF-style: chr19-41967343-G-C. GRCh37 (hg19) VCF-style: chr19-42471495-G-C.
Other names: c.2961-3C>G (NM_001256214.2); c.2955-3C>G (NM_001256213.2).
Identifiers: ClinVar variation 2758136 (VCV002758136.3), dbSNP rs2514023835, ClinGen allele CA2697556596.